The following is an entry in ClinVar:

ClinVar aggregate classification (germline): Uncertain significance. Review status: criteria provided, single submitter (1 of 4 stars). 2 submissions from 2 submitters: Uncertain significance (1). 1 of the submissions does not count toward it. Last evaluated 2022-04-18.

Conditions:
Isovaleryl-CoA dehydrogenase deficiency (IVA). Also called: ISOVALERIC ACID CoA DEHYDROGENASE DEFICIENCY; IVD DEFICIENCY; Classic Isovaleric Acidemia; Isovaleric acidemia. Identifiers: Orphanet 33, MedGen C0268575, MONDO:0009475, OMIM 243500.

Submissions (2):

Labcorp Genetics (formerly Invitae), Labcorp
Classification: Uncertain significance for Isovaleryl-CoA dehydrogenase deficiency. Last evaluated: 2022-04-18. Review status: criteria provided, single submitter. Criteria: Invitae Variant Classification Sherloc (09022015). Collection method: clinical testing. Allele origin: germline.
Comment: This sequence change replaces glycine, which is neutral and non-polar, with tryptophan, which is neutral and slightly polar, at codon 292 of the IVD protein (p.Gly292Trp). This variant is not present in population databases (gnomAD no frequency). This variant has not been reported in the literature in individuals affected with IVD-related conditions. ClinVar contains an entry for this variant (Variation ID: 1051378). Algorithms developed to predict the effect of missense changes on protein structure and function (SIFT, PolyPhen-2, Align-GVGD) all suggest that this variant is likely to be disruptive. In summary, the available evidence is currently insufficient to determine the role of this variant in disease. Therefore, it has been classified as a Variant of Uncertain Significance.

Natera, Inc.
Classification: Uncertain significance for Isovaleryl-coa dehydrogenase deficiency. Last evaluated: 2020-04-01. Review status: no assertion criteria provided. Collection method: clinical testing. Allele origin: germline. Not counted in ClinVar's aggregate classification.

NM_002225.5(IVD):c.865G>T (p.Gly289Trp)

Gene: IVD (isovaleryl-CoA dehydrogenase; plus strand). Cytogenetic location: 15q15.1.
Variant type: single nucleotide variant.
Coding change: c.865G>T on transcript NM_002225.5 (MANE Select); coding-DNA position 865, G replaced by T.
Protein change: p.Gly289Trp; replaces glycine 289 with tryptophan.
Molecular consequence: missense variant. On other transcripts: non-coding transcript variant (1).
Genome position (GRCh38, 1-based): chr15:40,414,969, G>T. VCF-style: chr15-40414969-G-T. GRCh37 (hg19) VCF-style: chr15-40707168-G-T.
Other names: c.775G>T, p.Gly259Trp (NM_001159508.3); c.817G>T, p.Gly273Trp (NM_001354597.3); c.865G>T, p.Gly289Trp (NM_001354598.3, NM_001354601.3); c.952G>T, p.Gly318Trp (NM_001354599.3, NM_001354600.3); short protein forms G259W, G273W, G289W, G318W.
Identifiers: ClinVar variation 1051378 (VCV001051378.10), dbSNP rs568885234, ClinGen allele CA391720923.